The following is an entry in ClinVar:

ClinVar aggregate classification (germline): Uncertain significance. Review status: criteria provided, multiple submitters, no conflicts (2 of 4 stars). 2 submissions from 2 submitters: Uncertain significance (2). Last evaluated 2024-12-11.

gnomAD v4.1: 48 of 1,614,268 alleles (0.003%); highest among the groups gnomAD compares: East Asian, 0.082%; no homozygotes.

Submissions (2):

Ambry Genetics
Classification: Uncertain significance. Last evaluated: 2024-12-11. Review status: criteria provided, single submitter. Criteria: Ambry Variant Classification Scheme 2023. Collection method: clinical testing. Allele origin: germline.

GeneDx
Classification: Uncertain significance. Last evaluated: 2024-06-29. Review status: criteria provided, single submitter. Criteria: GeneDx Variant Classification Process June 2021. Collection method: clinical testing. Allele origin: germline. Affected: yes.
Comment: In silico analysis indicates that this missense variant does not alter protein structure/function; Has not been previously published as pathogenic or benign to our knowledge

NM_001014342.3(FLG2):c.1306T>A (p.Leu436Met)

Genes: CCDST (cervical cancer associated DHX9 suppressive transcript; plus strand), FLG2 (filaggrin 2; minus strand). Cytogenetic location: 1q21.3.
Variant type: single nucleotide variant.
Coding change: c.1306T>A on transcript NM_001014342.3 (MANE Select); coding-DNA position 1306, T replaced by A.
Protein change: p.Leu436Met; replaces leucine 436 with methionine.
Molecular consequence: missense variant.
Genome position (GRCh38, 1-based): chr1:152,356,480, A>T on the plus strand (T>A on the coding strand, the complement: FLG2 is on the minus strand). VCF-style: chr1-152356480-A-T. GRCh37 (hg19) VCF-style: chr1-152328956-A-T.
Other names: short protein forms L436M.
Identifiers: ClinVar variation 3393561 (VCV003393561.2).